The following is an entry in ClinVar:

ClinVar aggregate classification (germline): Uncertain significance. Review status: criteria provided, multiple submitters, no conflicts (2 of 4 stars). 2 submissions from 2 submitters: Uncertain significance (2). Last evaluated 2025-10-15.

gnomAD v4.1: 10 of 1,610,054 alleles (0.00062%); highest among the groups gnomAD compares: African/African-American, 0.0013%; no homozygotes.

Submissions (2):

Labcorp Genetics (formerly Invitae), Labcorp
Classification: Uncertain significance. Last evaluated: 2025-10-15. Review status: criteria provided, single submitter. Criteria: Invitae Variant Classification Sherloc (09022015). Collection method: clinical testing. Allele origin: germline.
Comment: This sequence change replaces leucine, which is neutral and non-polar, with phenylalanine, which is neutral and non-polar, at codon 271 of the BTRC protein (p.Leu271Phe). This variant is present in population databases (rs751086036, gnomAD 0.007%). This variant has not been reported in the literature in individuals affected with BTRC-related conditions. ClinVar contains an entry for this variant (Variation ID: 3993658). An algorithm developed to predict the effect of missense changes on protein structure and function (PolyPhen-2) suggests that this variant is likely to be disruptive. In summary, the available evidence is currently insufficient to determine the role of this variant in disease. Therefore, it has been classified as a Variant of Uncertain Significance.

Ambry Genetics
Classification: Uncertain significance. Last evaluated: 2025-05-19. Review status: criteria provided, single submitter. Criteria: Ambry Variant Classification Scheme 2023. Collection method: clinical testing. Allele origin: germline.

NM_033637.4(BTRC):c.811C>T (p.Leu271Phe)

Gene: BTRC (beta-transducin repeat containing E3 ubiquitin protein ligase; plus strand). Cytogenetic location: 10q24.32.
Variant type: single nucleotide variant.
Coding change: c.811C>T on transcript NM_033637.4 (MANE Select); coding-DNA position 811, C replaced by T.
Protein change: p.Leu271Phe; replaces leucine 271 with phenylalanine.
Molecular consequence: missense variant.
Genome position (GRCh38, 1-based): chr10:101,531,304, C>T. VCF-style: chr10-101531304-C-T. GRCh37 (hg19) VCF-style: chr10-103291061-C-T.
Other names: c.733C>T, p.Leu245Phe (NM_001256856.2); c.703C>T, p.Leu235Phe (NM_003939.5); short protein forms L245F, L271F, L235F.
Identifiers: ClinVar variation 3993658 (VCV003993658.2).